The following is an entry in ClinVar:

NM_032638.5(GATA2):c.865T>G (p.Cys289Gly)

Gene: GATA2 (GATA binding protein 2; minus strand). Cytogenetic location: 3q21.3.
Variant type: single nucleotide variant.
Coding change: c.865T>G on transcript NM_032638.5 (MANE Select); coding-DNA position 865, T replaced by G.
Protein change: p.Cys289Gly; replaces cysteine 289 with glycine.
Molecular consequence: missense variant.
Genome position (GRCh38, 1-based): chr3:128,485,733, A>C on the plus strand (T>G on the coding strand, the complement: GATA2 is on the minus strand). VCF-style: chr3-128485733-A-C. GRCh37 (hg19) VCF-style: chr3-128204576-A-C.
Other names: c.865T>G, p.Cys289Gly (NM_001145661.2, NM_001145662.1); short protein forms C289G.
Identifiers: ClinVar variation 4871672 (VCV004871672.1).

ClinVar aggregate classification (germline): Uncertain significance (1 of 4 stars; one submission).

Conditions:
Inborn genetic diseases. Identifiers: MedGen C0950123, MeSH D030342.

Submission:

Ambry Genetics
Classification: Uncertain significance for Inborn genetic diseases. Last evaluated: 2026-03-17. Review status: criteria provided, single submitter. Criteria: Ambry Variant Classification Scheme 2023. Collection method: clinical testing. Allele origin: germline.
Comment: The p.C289G variant (also known as c.865T>G), located in coding exon 2 of the GATA2 gene, results from a T to G substitution at nucleotide position 865. The cysteine at codon 289 is replaced by glycine, an amino acid with highly dissimilar properties. This amino acid position is conserved. In addition, the in silico prediction for this alteration is inconclusive. Based on the available evidence, the clinical significance of this variant remains unclear.